The following is an entry in ClinVar:

NM_012398.3(PIP5K1C):c.1113C>T (p.Ile371=)

Gene: PIP5K1C (phosphatidylinositol-4-phosphate 5-kinase type 1 gamma; minus strand). Cytogenetic location: 19p13.3.
Variant type: single nucleotide variant.
Coding change: c.1113C>T on transcript NM_012398.3 (MANE Select); coding-DNA position 1113, C replaced by T.
Protein change: p.Ile371=; no amino-acid change (isoleucine 371 retained).
Molecular consequence: synonymous variant.
Genome position (GRCh38, 1-based): chr19:3,651,840, G>A on the plus strand (C>T on the coding strand, the complement: PIP5K1C is on the minus strand). VCF-style: chr19-3651840-G-A. GRCh37 (hg19) VCF-style: chr19-3651838-G-A.
Other names: c.1113C>T, p.Ile371= (NM_001195733.2, NM_001300849.2).
Identifiers: ClinVar variation 3046981 (VCV003046981.2), dbSNP rs766607961, ClinGen allele CA9082456.

ClinVar aggregate classification (germline): Likely benign (0 of 4 stars; one submission).

Conditions:
PIP5K1C-related disorder. Also called: PIP5K1C-related condition.

Allele frequency attached by ClinVar (database versions not stated): gnomAD 0.00004; ExAC 0.00005; TOPMed 0.00005.

Submission:

PreventionGenetics, part of Exact Sciences
Classification: Likely benign for PIP5K1C-related condition. Last evaluated: 2019-04-11. Review status: no assertion criteria provided. Collection method: clinical testing. Allele origin: germline.
Comment: This variant is classified as likely benign based on ACMG/AMP sequence variant interpretation guidelines (Richards et al. 2015 PMID: 25741868, with internal and published modifications).